The following is an entry in ClinVar:

NM_000051.4(ATM):c.2583C>A (p.Tyr861Ter)

Gene: ATM (ATM serine/threonine kinase; plus strand). Cytogenetic location: 11q22.3.
Variant type: single nucleotide variant.
Coding change: c.2583C>A on transcript NM_000051.4 (MANE Select); coding-DNA position 2583, C replaced by A.
Protein change: p.Tyr861Ter; replaces tyrosine 861 with a stop codon.
Molecular consequence: nonsense.
Genome position (GRCh38, 1-based): chr11:108,267,287, C>A. VCF-style: chr11-108267287-C-A. GRCh37 (hg19) VCF-style: chr11-108138014-C-A.
Other names: c.2583C>A, p.Tyr861Ter (NM_001351834.2); short protein forms Y861*.
Identifiers: ClinVar variation 265570 (VCV000265570.53), dbSNP rs886039633, ClinGen allele CA10588494.
Genomic context (GRCh38, chr11:108,267,287, plus strand): 5'-TACTAATGGAAATCTAATGGAGGTGGAGGATCAGTCATCCATGAATCTATTTAACGATTA[C>A]CCTGATAGTAGTGTTAGTGATGCAAACGAACCTGGAGAGAGCCAAAGTACCATAGGTAAA-3'

ClinVar aggregate classification (germline): Pathogenic/Likely pathogenic. Review status: criteria provided, multiple submitters, no conflicts (2 of 4 stars). 6 submissions from 6 submitters: Pathogenic (3); Likely pathogenic (3). Last evaluated 2025-04-14.

Conditions:
Hereditary cancer-predisposing syndrome. Also called: Tumor predisposition; Hereditary Cancer Syndrome; Neoplastic Syndromes, Hereditary; Hereditary neoplastic syndrome. Identifiers: Orphanet 140162, MedGen C0027672, MeSH D009386, MONDO:0015356.
Ataxia-telangiectasia syndrome (AT). Also called: Ataxia-telangiectasia; Ataxia-telangiectasia, complementation group E; Ataxia-telangiectasia, complementation group D; AT, COMPLEMENTATION GROUP C; LOUIS-BAR SYNDROME; Ataxia telangiectasia (A-T). Identifiers: Orphanet 100, MedGen C0004135, MONDO:0008840, OMIM 208900.
Familial cancer of breast. Also called: BREAST CANCER, FAMILIAL; Hereditary breast cancer; hereditary breast carcinoma. Identifiers: Orphanet 227535, MedGen C0346153, MONDO:0016419, OMIM 114480. Disease mechanism: loss of function.

Allele frequency attached by ClinVar (database versions not stated): gnomAD exomes below 0.00001.
gnomAD v4.1: 1 of 1,614,060 alleles (0.000062%); highest among the groups gnomAD compares: Non-Finnish European, 0.000085%; no homozygotes.

Submissions (6):

Ambry Genetics
Classification: Pathogenic for Hereditary cancer-predisposing syndrome. Last evaluated: 2025-04-14. Review status: criteria provided, single submitter. Criteria: Ambry Variant Classification Scheme 2023. Collection method: clinical testing. Allele origin: germline.
Comment: The p.Y861* pathogenic mutation (also known as c.2583C>A), located in coding exon 16 of the ATM gene, results from a C to A substitution at nucleotide position 2583. This changes the amino acid from a tyrosine to a stop codon within coding exon 16. This variant is considered to be rare based on population cohorts in the Genome Aggregation Database (gnomAD). This alteration is expected to result in loss of function by premature protein truncation or nonsense-mediated mRNA decay. As such, this alteration is interpreted as a disease-causing mutation.

Myriad Genetics, Inc.
Classification: Pathogenic for Familial cancer of breast. Last evaluated: 2024-04-02. Review status: criteria provided, single submitter. Criteria: Myriad Autosomal Dominant, Autosomal Recessive and X-Linked Classification Criteria (2023). Collection method: clinical testing. Allele origin: unknown.
Comment: This variant is considered pathogenic. This variant creates a termination codon and is predicted to result in premature protein truncation.

Labcorp Genetics (formerly Invitae), Labcorp
Classification: Pathogenic for Ataxia-telangiectasia syndrome. Last evaluated: 2023-08-10. Review status: criteria provided, single submitter. Criteria: Invitae Variant Classification Sherloc (09022015). Collection method: clinical testing. Allele origin: germline.
Comment: For these reasons, this variant has been classified as Pathogenic. ClinVar contains an entry for this variant (Variation ID: 265570). This variant has not been reported in the literature in individuals affected with ATM-related conditions. This variant is not present in population databases (gnomAD no frequency). This sequence change creates a premature translational stop signal (p.Tyr861*) in the ATM gene. It is expected to result in an absent or disrupted protein product. Loss-of-function variants in ATM are known to be pathogenic (PMID: 23807571, 25614872).

Baylor Genetics
Classification: Likely pathogenic for Familial cancer of breast. Last evaluated: 2022-08-05. Review status: criteria provided, single submitter. Criteria: ACMG Guidelines, 2015. Collection method: clinical testing. Allele origin: unknown.

CeGaT Center for Human Genetics Tuebingen
Classification: Likely pathogenic. Last evaluated: 2019-10-01. Review status: criteria provided, single submitter. Criteria: CeGaT Center For Human Genetics Tuebingen Variant Classification Criteria Version 2. Collection method: clinical testing. Allele origin: germline. Affected: yes. Observed: 1 variant allele.

GeneDx
Classification: Likely pathogenic. Last evaluated: 2016-11-23. Review status: criteria provided, single submitter. Criteria: GeneDx Variant Classification (06012015). Collection method: clinical testing. Allele origin: germline. Affected: yes.
Comment: This variant is denoted ATM c.2583C>A at the cDNA level and p.Tyr861Ter (Y861X) at the protein level. The substitution creates a nonsense variant, which changes a Tyrosine to a premature stop codon (TAC>TAA), and is predicted to cause loss of normal protein function through either protein truncation or nonsense-mediated mRNA decay. Although this variant has not, to our knowledge, been reported in the literature, it is considered likely pathogenic.

Literature cited by the submitters: PubMed 23807571 (cited by Labcorp Genetics (formerly Invitae), Labcorp); PubMed 25614872 (cited by Labcorp Genetics (formerly Invitae), Labcorp).